The following is an entry in ClinVar:

NM_016194.4(GNB5):c.819C>A (p.Cys273Ter)

Gene: GNB5 (G protein subunit beta 5; minus strand). Cytogenetic location: 15q21.2.
Variant type: single nucleotide variant.
Coding change: c.819C>A on transcript NM_016194.4 (MANE Select); coding-DNA position 819, C replaced by A.
Protein change: p.Cys273Ter; replaces cysteine 273 with a stop codon.
Molecular consequence: nonsense.
Genome position (GRCh38, 1-based): chr15:52,133,422, G>T on the plus strand (C>A on the coding strand, the complement: GNB5 is on the minus strand). VCF-style: chr15-52133422-G-T. GRCh37 (hg19) VCF-style: chr15-52425619-G-T.
Other names: c.537C>A, p.Cys179Ter (NM_001379343.1); c.693C>A, p.Cys231Ter (NM_006578.4); short protein forms C179*, C231*, C273*.
Identifiers: ClinVar variation 3256586 (VCV003256586.1).
Genomic context (GRCh38, chr15:52,133,422, plus strand): 5'-CATTCTACTCACTGACCGGACACTGTTGATGTCAGATTCATGTGTTTCAAAGGCCTGCAC[G>T]CACTGGCCGGAGCGCATGTCCCACACCATGGCTTTCTTGTCACATCCCTACAAATGAAAA-3'

ClinVar aggregate classification (germline): Likely pathogenic (1 of 4 stars; one submission).

Conditions:
Lodder-Merla syndrome, type 1, with impaired intellectual development and cardiac arrhythmia. Also called: Intellectual developmental disorder with cardiac arrhythmia; Gnb5-related intellectual disability-cardiac arrhythmia syndrome. Identifiers: Orphanet 542306, MedGen C5568877, MONDO:0014953, OMIM 617173.

Submission:

Laboratory of Medical Genetics, National & Kapodistrian University of Athens
Classification: Likely pathogenic for Lodder-Merla syndrome, type 1, with impaired intellectual development and cardiac arrhythmia. Last evaluated: 2023-12-18. Review status: criteria provided, single submitter. Criteria: ACMG Guidelines, 2015. Collection method: clinical testing. Allele origin: germline. Affected: yes.
Comment: PVS1, PM2 - It is expected to result in an absent or disrupted protein product. Absent from gnomAD. Loss-of-function variants in GNB5 are known to be pathogenic (PMID:31631344).